The following is an entry in ClinVar:

ClinVar aggregate classification (germline): Likely benign. Review status: criteria provided, multiple submitters, no conflicts (2 of 4 stars). 2 submissions from 2 submitters: Likely benign (2). Last evaluated 2024-10-26.

Conditions:
Methylcobalamin deficiency type cblE (HMAE). Also called: HOMOCYSTINURIA-MEGALOBLASTIC ANEMIA, cblE TYPE; VITAMIN B12-RESPONSIVE HOMOCYSTINURIA, cblE TYPE; HOMOCYSTINURIA-MEGALOBLASTIC ANEMIA, cblE COMPLEMENTATION TYPE. Identifiers: Orphanet 2169, Orphanet 622, MedGen C1856057, MONDO:0009354, OMIM 236270.

Allele frequency attached by ClinVar (database versions not stated): gnomAD exomes below 0.00001.
gnomAD v4.1: 2 of 1,614,032 alleles (0.00012%); highest among the groups gnomAD compares: Non-Finnish European, 0.000085%; no homozygotes.

Submissions (2):

Labcorp Genetics (formerly Invitae), Labcorp
Classification: Likely benign for Methylcobalamin deficiency type cblE. Last evaluated: 2024-10-26. Review status: criteria provided, single submitter. Criteria: Invitae Variant Classification Sherloc (09022015). Collection method: clinical testing. Allele origin: germline.

GeneDx
Classification: Likely benign. Last evaluated: 2017-07-10. Review status: criteria provided, single submitter. Criteria: GeneDx Variant Classification (06012015). Collection method: clinical testing. Allele origin: germline. Affected: yes.
Comment: This variant is considered likely benign or benign based on one or more of the following criteria: it is a conservative change, it occurs at a poorly conserved position in the protein, it is predicted to be benign by multiple in silico algorithms, and/or has population frequency not consistent with disease.

NM_002454.3(MTRR):c.1057+8C>G

Gene: MTRR (5-methyltetrahydrofolate-homocysteine methyltransferase reductase; plus strand). Cytogenetic location: 5p15.31.
Variant type: single nucleotide variant.
Coding change: c.1057+8C>G on transcript NM_002454.3 (MANE Select); 8 bases into the intron after coding-DNA position 1057, C replaced by G.
Molecular consequence: intron variant.
Genome position (GRCh38, 1-based): chr5:7,885,862, C>G. VCF-style: chr5-7885862-C-G. GRCh37 (hg19) VCF-style: chr5-7885975-C-G.
Other names: c.1057+8C>G (NM_024010.4, NM_001364440.2, NM_001364441.2 and 1 more transcripts).
Identifiers: ClinVar variation 518145 (VCV000518145.6), dbSNP rs1325906968, ClinGen allele CA557638938.